The following is an entry in ClinVar:

ClinVar aggregate classification (germline): Likely benign. Review status: criteria provided, multiple submitters, no conflicts (2 of 4 stars). 3 submissions from 3 submitters: Likely benign (3). Last evaluated 2025-04-22.

Conditions:
Dilated cardiomyopathy 1G (CMD1G). Identifiers: Orphanet 154, MedGen C1858763, MONDO:0011400, OMIM 604145.
Autosomal recessive limb-girdle muscular dystrophy type 2J (LGMDR10). Also called: Limb-girdle muscular dystrophy, type 2J; MUSCULAR DYSTROPHY, LIMB-GIRDLE, AUTOSOMAL RECESSIVE 10. Identifiers: Orphanet 140922, MedGen C1837342, MONDO:0012127, OMIM 608807.
Cardiovascular phenotype. Identifiers: MedGen CN230736.

Allele frequency attached by ClinVar (database versions not stated): gnomAD exomes 0.00001; ExAC 0.00002; TOPMed 0.00003; gnomAD 0.00004.
gnomAD v4.1: 19 of 1,613,174 alleles (0.0012%); highest among the groups gnomAD compares: Middle Eastern, 0.033%; no homozygotes.

Submissions (3):

Labcorp Genetics (formerly Invitae), Labcorp
Classification: Likely benign for Dilated cardiomyopathy 1G; Autosomal recessive limb-girdle muscular dystrophy type 2J. Last evaluated: 2025-04-22. Review status: criteria provided, single submitter. Criteria: Invitae Variant Classification Sherloc (09022015). Collection method: clinical testing. Allele origin: germline.

Ambry Genetics
Classification: Likely benign for Cardiovascular phenotype. Last evaluated: 2020-06-21. Review status: criteria provided, single submitter. Criteria: Ambry Variant Classification Scheme 2023. Collection method: clinical testing. Allele origin: germline.

GeneDx
Classification: Likely benign. Last evaluated: 2017-02-10. Review status: criteria provided, single submitter. Criteria: GeneDx Variant Classification (06012015). Collection method: clinical testing. Allele origin: germline. Affected: yes.
Comment: This variant is considered likely benign or benign based on one or more of the following criteria: it is a conservative change, it occurs at a poorly conserved position in the protein, it is predicted to be benign by multiple in silico algorithms, and/or has population frequency not consistent with disease.

NM_001267550.2(TTN):c.64761C>T (p.Asp21587=)

Genes: TTN-AS1 (TTN antisense RNA 1; plus strand), TTN (titin; minus strand). Cytogenetic location: 2q31.2.
Variant type: single nucleotide variant.
Coding change: c.64761C>T on transcript NM_001267550.2 (MANE Select); coding-DNA position 64761, C replaced by T.
Protein change: p.Asp21587=; no amino-acid change (aspartic acid 21587 retained).
Molecular consequence: synonymous variant. On other transcripts: non-coding transcript variant (1).
Genome position (GRCh38, 1-based): chr2:178,584,880, G>A on the plus strand (C>T on the coding strand, the complement: TTN is on the minus strand). VCF-style: chr2-178584880-G-A. GRCh37 (hg19) VCF-style: chr2-179449607-G-A.
Other names: c.59838C>T, p.Asp19946= (NM_001256850.1); c.37566C>T, p.Asp12522= (NM_003319.4); c.57057C>T, p.Asp19019= (NM_133378.4); c.37941C>T, p.Asp12647= (NM_133432.3); c.38142C>T, p.Asp12714= (NM_133437.4).
Identifiers: ClinVar variation 507360 (VCV000507360.14), dbSNP rs748386416, ClinGen allele CA1991842.